The following is an entry in ClinVar:

ClinVar aggregate classification (germline): Uncertain significance (1 of 4 stars; one submission).

Allele frequency attached by ClinVar (database versions not stated): TOPMed below 0.00001.

Submission:

Labcorp Genetics (formerly Invitae), Labcorp
Classification: Uncertain significance. Last evaluated: 2022-12-02. Review status: criteria provided, single submitter. Criteria: Invitae Variant Classification Sherloc (09022015). Collection method: clinical testing. Allele origin: germline.
Comment: This sequence change replaces valine, which is neutral and non-polar, with leucine, which is neutral and non-polar, at codon 545 of the TPP1 protein (p.Val545Leu). In summary, the available evidence is currently insufficient to determine the role of this variant in disease. Therefore, it has been classified as a Variant of Uncertain Significance. Advanced modeling of protein sequence and biophysical properties (such as structural, functional, and spatial information, amino acid conservation, physicochemical variation, residue mobility, and thermodynamic stability) performed at Invitae indicates that this missense variant is expected to disrupt TPP1 protein function. This variant has not been reported in the literature in individuals affected with TPP1-related conditions. This variant is not present in population databases (gnomAD no frequency).

NM_000391.4(TPP1):c.1633G>T (p.Val545Leu)

Gene: TPP1 (tripeptidyl peptidase 1; minus strand). Cytogenetic location: 11p15.4.
Variant type: single nucleotide variant.
Coding change: c.1633G>T on transcript NM_000391.4 (MANE Select); coding-DNA position 1633, G replaced by T.
Protein change: p.Val545Leu; replaces valine 545 with leucine.
Molecular consequence: missense variant.
Genome position (GRCh38, 1-based): chr11:6,614,605, C>A on the plus strand (G>T on the coding strand, the complement: TPP1 is on the minus strand). VCF-style: chr11-6614605-C-A. GRCh37 (hg19) VCF-style: chr11-6635836-C-A.
Other names: short protein forms V545L.
Identifiers: ClinVar variation 2130987 (VCV002130987.2), dbSNP rs1855546959, ClinGen allele CA379472049.